The following is an entry in ClinVar:

NM_001613.4(ACTA2):c.64G>A (p.Gly22Ser)

Gene: ACTA2 (actin alpha 2, smooth muscle; minus strand). Cytogenetic location: 10q23.31.
Variant type: single nucleotide variant.
Coding change: c.64G>A on transcript NM_001613.4 (MANE Select); coding-DNA position 64, G replaced by A.
Protein change: p.Gly22Ser; replaces glycine 22 with serine.
Molecular consequence: missense variant.
Genome position (GRCh38, 1-based): chr10:88,948,867, C>T on the plus strand (G>A on the coding strand, the complement: ACTA2 is on the minus strand). VCF-style: chr10-88948867-C-T. GRCh37 (hg19) VCF-style: chr10-90708624-C-T.
Other names: c.64G>A, p.Gly22Ser (NM_001141945.3, NM_001320855.2, NM_001406462.1 and 7 more transcripts); short protein forms G22S.
Identifiers: ClinVar variation 1171105 (VCV001171105.14), dbSNP rs756496192, ClinGen allele CA211328501.

ClinVar aggregate classification (germline): Conflicting classifications of pathogenicity. Review status: criteria provided, conflicting classifications (1 of 4 stars). 5 submissions from 5 submitters: Likely pathogenic (2); Uncertain significance (3). Last evaluated 2025-10-24.

Conditions:
ACTA2-related disorder. Also called: ACTA2-related disorders; ACTA2-related condition.
Familial thoracic aortic aneurysm and aortic dissection (TAAD). Also called: Thoracic aortic aneurysms and dissections. Identifiers: Orphanet 91387, MedGen C4707243, MONDO:0019625.
Aortic aneurysm, familial thoracic 6 (AAT6). Also called: FAMILIAL THORACIC AORTIC ANEURYSM WITH LIVEDO RETICULARIS AND IRIS FLOCCULI. Identifiers: MedGen C2673186, MONDO:0012730, OMIM 611788.

Allele frequency attached by ClinVar (database versions not stated): gnomAD exomes below 0.00001 and 0.00001.
gnomAD v4.1: 3 of 1,613,970 alleles (0.00019%); highest among the groups gnomAD compares: Admixed American, 0.0017%; no homozygotes.

Submissions (5):

Ambry Genetics
Classification: Likely pathogenic for Familial thoracic aortic aneurysm and aortic dissection. Last evaluated: 2025-10-24. Review status: criteria provided, single submitter. Criteria: Ambry Variant Classification Scheme 2023. Collection method: clinical testing. Allele origin: germline.
Comment: The p.G22S variant (also known as c.64G>A), located in coding exon 1 of the ACTA2 gene, results from a G to A substitution at nucleotide position 64. The glycine at codon 22 is replaced by serine, an amino acid with similar properties. This alteration has been reported in a thoracic aortic aneurysm and dissection (TAAD) cohort and in subjects with features of ACTA2-related TAAD (Regalado ES et al. Circ Cardiovasc Genet, 2015 Jun;8:457-64; Ambry internal data; external communication). This amino acid position is highly conserved in available vertebrate species. In addition, this alteration is predicted to be deleterious by in silico analysis. This variant is also considered to be rare based on population cohorts in the Genome Aggregation Database (gnomAD). Based on the majority of available evidence to date, this variant is likely to be pathogenic.

Blueprint Genetics
Classification: Likely pathogenic for ACTA2-related disorders. Last evaluated: 2024-11-12. Review status: criteria provided, single submitter. Criteria: ACMG Guidelines, 2015. Collection method: clinical testing. Allele origin: germline. Affected: yes. Observed: 3 variant alleles.

Labcorp Genetics (formerly Invitae), Labcorp
Classification: Uncertain significance for Aortic aneurysm, familial thoracic 6. Last evaluated: 2024-10-27. Review status: criteria provided, single submitter. Criteria: Invitae Variant Classification Sherloc (09022015). Collection method: clinical testing. Allele origin: germline.
Comment: This sequence change replaces glycine, which is neutral and non-polar, with serine, which is neutral and polar, at codon 22 of the ACTA2 protein (p.Gly22Ser). This variant is present in population databases (rs756496192, gnomAD 0.003%). This missense change has been observed in individual(s) with clinical features of ACTA2-related conditions (PMID: 25759435). ClinVar contains an entry for this variant (Variation ID: 1171105). Invitae Evidence Modeling of protein sequence and biophysical properties (such as structural, functional, and spatial information, amino acid conservation, physicochemical variation, residue mobility, and thermodynamic stability) indicates that this missense variant is expected to disrupt ACTA2 protein function with a positive predictive value of 80%. In summary, the available evidence is currently insufficient to determine the role of this variant in disease. Therefore, it has been classified as a Variant of Uncertain Significance.

Color Diagnostics, LLC DBA Color Health
Classification: Uncertain significance for Familial thoracic aortic aneurysm and aortic dissection. Last evaluated: 2024-09-11. Review status: criteria provided, single submitter. Criteria: ACMG Guidelines, 2015. Collection method: clinical testing. Allele origin: germline.
Comment: This missense variant replaces glycine with serine at codon 22 of the ACTA2 protein. Computational prediction tools indicate that this variant has a deleterious impact on protein structure and function. To our knowledge, functional studies have not been reported for this variant. This variant has been reported in an individual affected with aortic or premature onset arterial disease and in one unaffected parent (PMID: 25759435). This variant has been identified in 1/251058 chromosomes in the general population by the Genome Aggregation Database (gnomAD). The available evidence is insufficient to determine the role of this variant in disease conclusively. Therefore, this variant is classified as a Variant of Uncertain Significance.

Centre of Medical Genetics, University of Antwerp
Classification: Uncertain significance for Familial thoracic aortic aneurysm and aortic dissection. Last evaluated: 2024-09-06. Review status: criteria provided, single submitter. Criteria: ACMG Guidelines, 2015. Collection method: clinical testing. Allele origin: germline. Affected: yes.

Literature cited by the submitters: PubMed 25759435 (cited by 3 submitters).